The following is an entry in ClinVar:

ClinVar aggregate classification (germline): Uncertain significance. Review status: criteria provided, multiple submitters, no conflicts (2 of 4 stars). 9 submissions from 5 submitters: Uncertain significance (9). Last evaluated 2026-02-07.

Conditions:
Dilated cardiomyopathy 1G (CMD1G). Identifiers: Orphanet 154, MedGen C1858763, MONDO:0011400, OMIM 604145.
Autosomal recessive limb-girdle muscular dystrophy type 2J (LGMDR10). Also called: Limb-girdle muscular dystrophy, type 2J; MUSCULAR DYSTROPHY, LIMB-GIRDLE, AUTOSOMAL RECESSIVE 10. Identifiers: Orphanet 140922, MedGen C1837342, MONDO:0012127, OMIM 608807.
Myopathy, myofibrillar, 9, with early respiratory failure (MFM9). Also called: EDSTROM MYOPATHY; MYOPATHY, PROXIMAL, WITH EARLY RESPIRATORY MUSCLE INVOLVEMENT; Hereditary myopathy with early respiratory failure; Myopathy, distal, with early respiratory failure, autosomal dominant. Identifiers: Orphanet 178464, Orphanet 34521, MedGen C1863599, MONDO:0011362, OMIM 603689.
Tibial muscular dystrophy (TMD). Also called: Udd Distal Myopathy – Tibial Muscular Dystrophy; Tibial muscular dystrophy, tardive; UDD MYOPATHY. Identifiers: Orphanet 609, MedGen C1838244, MONDO:0010870, OMIM 600334.
Early-onset myopathy with fatal cardiomyopathy (CMYO5). Also called: CONGENITAL MYOPATHY 5 WITH CARDIOMYOPATHY; Salih Myopathy. Identifiers: Orphanet 289377, MedGen C2673677, MONDO:0012714, OMIM 611705. Disease mechanism: loss of function.

Allele frequency attached by ClinVar (database versions not stated): gnomAD exomes below 0.00001 and 0.00002; ExAC 0.00001; gnomAD 0.00001; TOPMed 0.00002.
gnomAD v4.1: 27 of 1,610,840 alleles (0.0017%); highest among the groups gnomAD compares: South Asian, 0.0022%; no homozygotes.

Submissions (9):

Women's Health and Genetics/Laboratory Corporation of America, LabCorp
Classification: Uncertain significance. Last evaluated: 2026-02-07. Review status: criteria provided, single submitter. Criteria: LabCorp Variant Classification Summary - May 2015. Collection method: clinical testing. Allele origin: germline.

CeGaT Center for Human Genetics Tuebingen
Classification: Uncertain significance. Last evaluated: 2025-05-01. Review status: criteria provided, single submitter. Criteria: CeGaT Center For Human Genetics Tuebingen Variant Classification Criteria Version 2. Collection method: clinical testing. Allele origin: germline. Affected: yes. Observed: 2 variant alleles.
Comment: TTN: PM2, BP1

Illumina Laboratory Services, Illumina
Classification: Uncertain significance for Autosomal recessive limb-girdle muscular dystrophy type 2J. Last evaluated: 2017-04-27. Review status: criteria provided, single submitter. Criteria: ICSL Variant Classification Criteria 13 December 2019. Collection method: clinical testing. Allele origin: germline.

Illumina Laboratory Services, Illumina
Classification: Uncertain significance for Myopathy, myofibrillar, 9, with early respiratory failure. Last evaluated: 2017-04-27. Review status: criteria provided, single submitter. Criteria: ICSL Variant Classification Criteria 13 December 2019. Collection method: clinical testing. Allele origin: germline.

Illumina Laboratory Services, Illumina
Classification: Uncertain significance for Tibial muscular dystrophy. Last evaluated: 2017-04-27. Review status: criteria provided, single submitter. Criteria: ICSL Variant Classification Criteria 13 December 2019. Collection method: clinical testing. Allele origin: germline.

Illumina Laboratory Services, Illumina
Classification: Uncertain significance for Dilated cardiomyopathy 1G. Last evaluated: 2017-04-27. Review status: criteria provided, single submitter. Criteria: ICSL Variant Classification Criteria 13 December 2019. Collection method: clinical testing. Allele origin: germline.

Illumina Laboratory Services, Illumina
Classification: Uncertain significance for Early-onset myopathy with fatal cardiomyopathy. Last evaluated: 2017-04-27. Review status: criteria provided, single submitter. Criteria: ICSL Variant Classification Criteria 13 December 2019. Collection method: clinical testing. Allele origin: germline.

Labcorp Genetics (formerly Invitae), Labcorp
Classification: Uncertain significance for Dilated cardiomyopathy 1G; Autosomal recessive limb-girdle muscular dystrophy type 2J. Last evaluated: 2016-10-08. Review status: criteria provided, single submitter. Criteria: Invitae Variant Classification Sherloc (09022015). Collection method: clinical testing. Allele origin: germline.

Biesecker Lab/Clinical Genomics Section, National Institutes of Health
Classification: Uncertain significance. Last evaluated: 2013-06-24. Review status: criteria provided, single submitter. Criteria: Ng et al. (Circ Cardiovasc Genet. 2013). Collection method: research. Allele origin: unknown. Observed: 1 variant allele. Study: ClinSeq.
Comment: The study set was not selected for affection status in relation to any cancer. Pathogenicity categories were based on literature curation. See Pubmed ID:23861362 for details.

Medical sequencing

NM_001267550.2(TTN):c.53708G>A (p.Arg17903His)

Genes: TTN-AS1 (TTN antisense RNA 1; plus strand), TTN (titin; minus strand). Cytogenetic location: 2q31.2.
Variant type: single nucleotide variant.
Coding change: c.53708G>A on transcript NM_001267550.2 (MANE Select); coding-DNA position 53708, G replaced by A.
Protein change: p.Arg17903His; replaces arginine 17903 with histidine.
Molecular consequence: missense variant.
Genome position (GRCh38, 1-based): chr2:178,605,587, C>T on the plus strand (G>A on the coding strand, the complement: TTN is on the minus strand). VCF-style: chr2-178605587-C-T. GRCh37 (hg19) VCF-style: chr2-179470314-C-T.
Other names: c.48785G>A, p.Arg16262His (NM_001256850.1); c.26513G>A, p.Arg8838His (NM_003319.4); c.46004G>A, p.Arg15335His (NM_133378.4); c.26888G>A, p.Arg8963His (NM_133432.3); c.27089G>A, p.Arg9030His (NM_133437.4); short protein forms R15335H, R17903H, R16262H, R8838H, R9030H, R8963H.
Identifiers: ClinVar variation 191947 (VCV000191947.32), dbSNP rs755252821, ClinGen allele CA237936.